The following is an entry in ClinVar:

NM_001018005.2(TPM1):c.240+4498G>A

Genes: TPM1 (tropomyosin 1; plus strand), TPM1-AS (TPM1 antisense RNA; minus strand), LOC130057222 (ATAC-STARR-seq lymphoblastoid silent region 6507; plus strand). Cytogenetic location: 15q22.2.
Variant type: single nucleotide variant.
Coding change: c.240+4498G>A on transcript NM_001018005.2 (MANE Select); 4498 bases into the intron after coding-DNA position 240, G replaced by A.
Molecular consequence: intron variant. On other transcripts: non-coding transcript variant (5), synonymous variant (12).
Genome position (GRCh38, 1-based): chr15:63,048,650, G>A. VCF-style: chr15-63048650-G-A. GRCh37 (hg19) VCF-style: chr15-63340849-G-A.
Other names: c.75G>A, p.Glu25= (NM_001018008.2, NM_001301289.2, NM_001330344.2 and 9 more transcripts); c.366+4498G>A (NM_001365778.1, NM_001407323.1, NM_001407322.1 and 1 more transcripts); c.240+4819G>A (NM_001407336.1, NM_001018020.2, NM_001407338.1 and 7 more transcripts); c.240+4498G>A (NM_001407326.1, NM_001407337.1, NM_001018006.2 and 10 more transcripts).
Identifiers: ClinVar variation 4982997 (VCV004982997.1).

ClinVar aggregate classification (germline): Likely benign (1 of 4 stars; one submission).

Conditions:
TPM1-related disorder. Also called: TPM1-related condition.

gnomAD v4.1: 5 of 1,539,032 alleles (0.00032%); highest among the groups gnomAD compares: African/African-American, 0.007%; no homozygotes.

Submission:

PreventionGenetics, part of Exact Sciences
Classification: Likely benign for TPM1-related condition. Last evaluated: 2025-03-29. Review status: criteria provided, single submitter. Criteria: ACMG Guidelines, 2015. Collection method: clinical testing. Allele origin: germline.
Comment: This variant is classified as likely benign based on ACMG/AMP sequence variant interpretation guidelines (Richards et al. 2015 PMID: 25741868, with internal and published modifications).